The following is an entry in ClinVar:

ClinVar aggregate classification (germline): Benign/Likely benign. Review status: criteria provided, multiple submitters, no conflicts (2 of 4 stars). 6 submissions from 6 submitters: Benign (5); Likely benign (1). Last evaluated 2026-01-26.

Conditions:
FLNB-Related Spectrum Disorders.
Connective tissue disorder. Also called: Connective tissue disease. Identifiers: MedGen C0009782, MONDO:0003900.

Allele frequency attached by ClinVar (database versions not stated): 1000 Genomes Project 30x 0.00547; 1000 Genomes Project 0.00579; gnomAD 0.00671 and 0.00724; ESP Exome Variant Server 0.00784; TOPMed 0.00800; gnomAD exomes 0.00196; ExAC 0.00229.

Submissions (6):

Labcorp Genetics (formerly Invitae), Labcorp
Classification: Benign. Last evaluated: 2026-01-26. Review status: criteria provided, single submitter. Criteria: Invitae Variant Classification Sherloc (09022015). Collection method: clinical testing. Allele origin: germline.

ARUP Laboratories, Molecular Genetics and Genomics, ARUP Laboratories
Classification: Benign. Last evaluated: 2024-10-23. Review status: criteria provided, single submitter. Criteria: ARUP Molecular Germline Variant Investigation Process 2024. Collection method: clinical testing. Allele origin: germline.

Genome Diagnostics Laboratory, The Hospital for Sick Children
Classification: Likely benign for Connective tissue disorder. Last evaluated: 2019-01-01. Review status: criteria provided, single submitter. Criteria: ACMG Guidelines, 2015. Collection method: clinical testing. Allele origin: germline.

Illumina Laboratory Services, Illumina
Classification: Benign for FLNB-Related Spectrum Disorders. Last evaluated: 2018-01-13. Review status: criteria provided, single submitter. Criteria: ICSL Variant Classification Criteria 13 December 2019. Collection method: clinical testing. Allele origin: germline.
Comment: This variant was observed in the ICSL laboratory as part of a predisposition screen in an ostensibly healthy population. It had not been previously curated by ICSL or reported in the Human Gene Mutation Database (HGMD: prior to June 1st, 2018), and was therefore a candidate for classification through an automated scoring system. Utilizing variant allele frequency, disease prevalence and penetrance estimates, and inheritance mode, an automated score was calculated to assess if this variant is too frequent to cause the disease. Based on the score and internal cut-off values, a variant classified as benign is not then subjected to further curation. The score for this variant resulted in a classification of benign for this disease.

GeneDx
Classification: Benign. Last evaluated: 2017-03-09. Review status: criteria provided, single submitter. Criteria: GeneDx Variant Classification (06012015). Collection method: clinical testing. Allele origin: germline. Affected: yes.
Comment: This variant is considered likely benign or benign based on one or more of the following criteria: it is a conservative change, it occurs at a poorly conserved position in the protein, it is predicted to be benign by multiple in silico algorithms, and/or has population frequency not consistent with disease.

Breakthrough Genomics
Classification: Benign. Review status: criteria provided, single submitter. Criteria: ACMG Guidelines, 2015. Collection method: not provided. Allele origin: germline. Inheritance: Autosomal recessive inheritance. Affected: yes.

NM_001457.4(FLNB):c.2907G>A (p.Arg969=)

Gene: FLNB (filamin B; plus strand). Cytogenetic location: 3p14.3.
Variant type: single nucleotide variant.
Coding change: c.2907G>A on transcript NM_001457.4 (MANE Select); coding-DNA position 2907, G replaced by A.
Protein change: p.Arg969=; no amino-acid change (arginine 969 retained).
Molecular consequence: synonymous variant.
Genome position (GRCh38, 1-based): chr3:58,121,284, G>A. VCF-style: chr3-58121284-G-A. GRCh37 (hg19) VCF-style: chr3-58107011-G-A.
Other names: c.2907G>A, p.Arg969= (NM_001164317.2, NM_001164318.2, NM_001164319.2).
Identifiers: ClinVar variation 346326 (VCV000346326.29), dbSNP rs138449267, ClinGen allele CA2468277.